The following is an entry in ClinVar:

ClinVar aggregate classification (germline): Uncertain significance. Review status: criteria provided, multiple submitters, no conflicts (2 of 4 stars). 2 submissions from 2 submitters: Uncertain significance (2). Last evaluated 2022-12-07.

Conditions:
Pancreatic cancer, susceptibility to, 1. Identifiers: Orphanet 1333, MedGen C1847351, MONDO:0011739, OMIM 606856.

gnomAD v4.1: 1 of 1,614,252 alleles (0.000062%); highest among the groups gnomAD compares: East Asian, 0.0022%; no homozygotes.

Submissions (2):

Ambry Genetics
Classification: Uncertain significance. Last evaluated: 2022-12-07. Review status: criteria provided, single submitter. Criteria: Ambry Variant Classification Scheme 2023. Collection method: clinical testing. Allele origin: germline.
Comment: The p.S192G variant (also known as c.574A>G), located in coding exon 1 of the PALLD gene, results from an A to G substitution at nucleotide position 574. The serine at codon 192 is replaced by glycine, an amino acid with similar properties. This amino acid position is conserved. In addition, this alteration is predicted to be tolerated by in silico analysis. Since supporting evidence is limited at this time, the clinical significance of this alteration remains unclear.

Illumina Laboratory Services, Illumina
Classification: Uncertain significance for Pancreatic cancer, susceptibility to, 1. Last evaluated: 2018-04-20. Review status: criteria provided, single submitter. Criteria: ICSL Variant Classification Criteria 13 December 2019. Collection method: clinical testing. Allele origin: germline.

NM_001166108.2(PALLD):c.574A>G (p.Ser192Gly)

Gene: PALLD (palladin, cytoskeletal associated protein; plus strand). Cytogenetic location: 4q32.3.
Variant type: single nucleotide variant.
Coding change: c.574A>G on transcript NM_001166108.2 (MANE Select); coding-DNA position 574, A replaced by G.
Protein change: p.Ser192Gly; replaces serine 192 with glycine.
Molecular consequence: missense variant.
Genome position (GRCh38, 1-based): chr4:168,512,078, A>G. VCF-style: chr4-168512078-A-G. GRCh37 (hg19) VCF-style: chr4-169433229-A-G.
Other names: c.574A>G (NM_016081.3); c.574A>G, p.Ser192Gly (NM_016081.4); short protein forms S192G.
Identifiers: ClinVar variation 901518 (VCV000901518.6), dbSNP rs1762575507, ClinGen allele CA358726319.
Genomic context (GRCh38, chr4:168,512,078, plus strand): 5'-GCAGCTAATTTAATTGAGGAGCTAACATCCATATTTAAAGCCGCAAAGCCAAGAAACAGA[A>G]GCCCAAATGGGGAGTCCTCGTCACCAGACAGTGGGTACCTGTCTCCTAAAAATCAGCCGT-3'
Protein context (NP_001159580.1, residues 182-202): IFKAAKPRNR[Ser192Gly]PNGESSSPDS